The following is an entry in ClinVar:

ClinVar aggregate classification (germline): Likely pathogenic. Review status: criteria provided, multiple submitters, no conflicts (2 of 4 stars). 2 submissions from 2 submitters: Likely pathogenic (2). Last evaluated 2025-04-01.

Conditions:
Immunodeficiency 64. Also called: IMMUNODEFICIENCY 64 WITH LYMPHOPROLIFERATION. Identifiers: Orphanet 664699, MedGen C5231402, MONDO:0032803, OMIM 618534.

Submissions (2):

Labcorp Genetics (formerly Invitae), Labcorp
Classification: Likely pathogenic. Last evaluated: 2025-04-01. Review status: criteria provided, single submitter. Criteria: Invitae Variant Classification Sherloc (09022015). Collection method: clinical testing. Allele origin: germline.
Comment: This variant results in the deletion of part of exon 11 (c.1418_1428+3del) of the RASGRP1 gene. It is expected to disrupt RNA splicing. Variants that disrupt the donor or acceptor splice site typically lead to a loss of protein function (PMID: 16199547), and loss-of-function variants in RASGRP1 are known to be pathogenic (PMID: 11017103, 27776107, 28822832). This variant is not present in population databases (gnomAD no frequency). This variant has not been reported in the literature in individuals affected with RASGRP1-related conditions. ClinVar contains an entry for this variant (Variation ID: 2431603). In summary, the currently available evidence indicates that the variant is pathogenic, but additional data are needed to prove that conclusively. Therefore, this variant has been classified as Likely Pathogenic.

Laboratorio de Genetica e Diagnostico Molecular, Hospital Israelita Albert Einstein
Classification: Likely pathogenic for Immunodeficiency 64. Last evaluated: 2022-06-17. Review status: criteria provided, single submitter. Criteria: ACMG Guidelines, 2015. Collection method: clinical testing. Allele origin: germline. Affected: yes. Observed: 1 variant allele.
Comment: ACMG classification criteria: PVS1 very strong, PM2 moderated

Literature cited by the submitters: PubMed 16199547 (cited by Labcorp Genetics (formerly Invitae), Labcorp); PubMed 11017103 (cited by Labcorp Genetics (formerly Invitae), Labcorp); PubMed 27776107 (cited by Labcorp Genetics (formerly Invitae), Labcorp); PubMed 28822832 (cited by Labcorp Genetics (formerly Invitae), Labcorp).

NM_005739.4(RASGRP1):c.1418_1428+3del

Gene: RASGRP1 (RAS guanyl releasing protein 1; minus strand). Cytogenetic location: 15q14.
Variant type: Deletion.
Coding change: c.1418_1428+3del on transcript NM_005739.4 (MANE Select); coding-DNA position 1418 through 3 bases into the intron after coding-DNA position 1428, 14 bases deleted (GGATGGTGGATGTA).
Molecular consequence: splice donor variant. On other transcripts: intron variant (2).
Genome position (GRCh38, 1-based): chr15:38,503,269-38,503,282, TACATCCACCATCC deleted on the plus strand (GGATGGTGGATGTA on the coding strand, the reverse complement: RASGRP1 is on the minus strand); deleting any 14 consecutive bases within chr15:38,503,269-38,503,283 gives the same sequence; the c. name uses the placement nearest the transcript's 3' end. VCF-style (leftmost placement, unchanged base first): chr15-38503268-TTACATCCACCATCC-T. GRCh37 (hg19) VCF-style: chr15-38795469-TTACATCCACCATCC-T.
Other names: c.1324-861_1324-848del (NM_001306086.2, NM_001128602.2).
Identifiers: ClinVar variation 2431603 (VCV002431603.2), dbSNP rs2542871866, ClinGen allele CA2580089386.